The following is an entry in ClinVar:

NM_013339.4(ALG6):c.1121C>T (p.Thr374Ile)

Gene: ALG6 (ALG6 alpha-1,3-glucosyltransferase; plus strand). Cytogenetic location: 1p31.3.
Variant type: single nucleotide variant.
Coding change: c.1121C>T on transcript NM_013339.4 (MANE Select); coding-DNA position 1121, C replaced by T.
Protein change: p.Thr374Ile; replaces threonine 374 with isoleucine.
Molecular consequence: missense variant.
Genome position (GRCh38, 1-based): chr1:63,428,795, C>T. VCF-style: chr1-63428795-C-T. GRCh37 (hg19) VCF-style: chr1-63894466-C-T.
Other names: short protein forms T374I.
Identifiers: ClinVar variation 2194698 (VCV002194698.1), dbSNP rs750443322, ClinGen allele CA888377.

ClinVar aggregate classification (germline): Uncertain significance (1 of 4 stars; one submission).

Conditions:
ALG6-congenital disorder of glycosylation 1C (CDG1C). Also called: CDG Ic; CARBOHYDRATE-DEFICIENT GLYCOPROTEIN SYNDROME, TYPE I, WITH DEFICIENT GLYCOSYLATION OF DOLICHOL-LINKED OLIGOSACCHARIDE; CARBOHYDRATE-DEFICIENT GLYCOPROTEIN SYNDROME, TYPE V; Congenital disorder of glycosylation type 1C; Congenital disorder of glycosylation, type Ic. Identifiers: Orphanet 79320, MedGen C2930997, MONDO:0011291, OMIM 603147.

Allele frequency attached by ClinVar (database versions not stated): ExAC 0.00001; gnomAD 0.00001; TOPMed 0.00001; gnomAD exomes 0.00003.
gnomAD v4.1: 38 of 1,607,342 alleles (0.0024%); highest among the groups gnomAD compares: South Asian, 0.0044%; no homozygotes.

Submission:

Labcorp Genetics (formerly Invitae), Labcorp
Classification: Uncertain significance for ALG6-congenital disorder of glycosylation 1C. Last evaluated: 2021-10-08. Review status: criteria provided, single submitter. Criteria: Invitae Variant Classification Sherloc (09022015). Collection method: clinical testing. Allele origin: germline.
Comment: This sequence change replaces threonine with isoleucine at codon 374 of the ALG6 protein (p.Thr374Ile). The threonine residue is moderately conserved and there is a moderate physicochemical difference between threonine and isoleucine. This variant is present in population databases (rs750443322, ExAC 0.002%). This variant has not been reported in the literature in individuals with ALG6-related conditions. Algorithms developed to predict the effect of missense changes on protein structure and function are either unavailable or do not agree on the potential impact of this missense change (SIFT: "Tolerated"; PolyPhen-2: "Possibly Damaging"; Align-GVGD: "Class C0"). In summary, the available evidence is currently insufficient to determine the role of this variant in disease. Therefore, it has been classified as a Variant of Uncertain Significance.